The following is an entry in ClinVar:

ClinVar aggregate classification (germline): Uncertain significance (1 of 4 stars; one submission).

Allele frequency attached by ClinVar (database versions not stated): gnomAD exomes 0.00007; gnomAD 0.00002; ESP Exome Variant Server 0.00008; TOPMed 0.00003; ExAC 0.00014.
gnomAD v4.1: 45 of 1,611,650 alleles (0.0028%); highest among the groups gnomAD compares: Admixed American, 0.022%; no homozygotes.

Submission:

Labcorp Genetics (formerly Invitae), Labcorp
Classification: Uncertain significance. Last evaluated: 2024-09-24. Review status: criteria provided, single submitter. Criteria: Invitae Variant Classification Sherloc (09022015). Collection method: clinical testing. Allele origin: germline.
Comment: This sequence change replaces threonine, which is neutral and polar, with methionine, which is neutral and non-polar, at codon 465 of the MKL1 protein (p.Thr465Met). This variant is present in population databases (rs146912313, gnomAD 0.03%). This variant has not been reported in the literature in individuals affected with MKL1-related conditions. ClinVar contains an entry for this variant (Variation ID: 1683052). An algorithm developed to predict the effect of missense changes on protein structure and function (PolyPhen-2) suggests that this variant is likely to be disruptive. In summary, the available evidence is currently insufficient to determine the role of this variant in disease. Therefore, it has been classified as a Variant of Uncertain Significance.

NM_020831.6(MRTFA):c.1694C>T (p.Thr565Met)

Gene: MRTFA (myocardin related transcription factor A; minus strand). Cytogenetic location: 22q13.1.
Variant type: single nucleotide variant.
Coding change: c.1694C>T on transcript NM_020831.6 (MANE Select); coding-DNA position 1694, C replaced by T.
Protein change: p.Thr565Met; replaces threonine 565 with methionine.
Molecular consequence: missense variant.
Genome position (GRCh38, 1-based): chr22:40,419,044, G>A on the plus strand (C>T on the coding strand, the complement: MRTFA is on the minus strand). VCF-style: chr22-40419044-G-A. GRCh37 (hg19) VCF-style: chr22-40815048-G-A.
Other names: c.1394C>T, p.Thr465Met (NM_001282660.2); c.1544C>T, p.Thr515Met (NM_001282661.3); c.1694C>T, p.Thr565Met (NM_001282662.3); c.1499C>T, p.Thr500Met (NM_001318139.2); short protein forms T465M, T500M, T515M, T565M.
Identifiers: ClinVar variation 1683052 (VCV001683052.8), dbSNP rs146912313, ClinGen allele CA10249588.
Genomic context (GRCh38, chr22:40,419,044, plus strand): 5'-GTCAGAGGTGATGTCACCATCTCACCAAAGGTGTCCCCGGGGGTGGAGTTTTCATCGCCC[G>A]TGCTGAGCAGTGAGCGCTCCGAGGGGGTGGGAGACACGGGGGGCGTGGAGCCCGTGCTGC-3'
Protein context (NP_065882.2, residues 555-575): PTPSERSLLS[Thr565Met]GDENSTPGDT